The following is an entry in ClinVar:

ClinVar aggregate classification (germline): Uncertain significance (1 of 4 stars; one submission).

Submission:

Labcorp Genetics (formerly Invitae), Labcorp
Classification: Uncertain significance. Last evaluated: 2024-10-17. Review status: criteria provided, single submitter. Criteria: Invitae Variant Classification Sherloc (09022015). Collection method: clinical testing. Allele origin: germline.
Comment: This sequence change replaces proline, which is neutral and non-polar, with glutamine, which is neutral and polar, at codon 312 of the TRPV6 protein (p.Pro312Gln). This variant is present in population databases (rs773696435, gnomAD 0.002%). This variant has not been reported in the literature in individuals affected with TRPV6-related conditions. Experimental studies and prediction algorithms are not available or were not evaluated, and the functional significance of this variant is currently unknown. In summary, the available evidence is currently insufficient to determine the role of this variant in disease. Therefore, it has been classified as a Variant of Uncertain Significance.

NM_018646.6(TRPV6):c.935C>A (p.Pro312Gln)

Gene: TRPV6 (transient receptor potential cation channel subfamily V member 6; minus strand). Cytogenetic location: 7q34.
Variant type: single nucleotide variant.
Coding change: c.935C>A on transcript NM_018646.6 (MANE Select); coding-DNA position 935, C replaced by A.
Protein change: p.Pro312Gln; replaces proline 312 with glutamine.
Molecular consequence: missense variant.
Genome position (GRCh38, 1-based): chr7:142,875,852, G>T on the plus strand (C>A on the coding strand, the complement: TRPV6 is on the minus strand). VCF-style: chr7-142875852-G-T. GRCh37 (hg19) VCF-style: chr7-142573605-G-T.
Other names: short protein forms P312Q.
Identifiers: ClinVar variation 3610514 (VCV003610514.2).
Genomic context (GRCh38, chr7:142,875,852, plus strand): 5'-AGGGACTGCTCATCCCCTGAGGAGTCGATCTCTGTGAGGTCATAGAGAGTCGAGGTCAGT[G>T]GTCCATACGTCCACTGGGTGTGCTTCCGCTTCTGCATCAGGTGCTGAAACATCTAAGGGA-3'
Protein context (NP_061116.5, residues 302-322): KRKHTQWTYG[Pro312Gln]LTSTLYDLTE